The following is an entry in ClinVar:

ClinVar aggregate classification (germline): Uncertain significance (1 of 4 stars; one submission).

Submission:

GeneDx
Classification: Uncertain significance. Last evaluated: 2022-07-25. Review status: criteria provided, single submitter. Criteria: GeneDx Variant Classification Process June 2021. Collection method: clinical testing. Allele origin: germline. Affected: yes.
Comment: Not observed at significant frequency in large population cohorts (gnomAD); In silico analysis supports that this missense variant has a deleterious effect on protein structure/function; Has not been previously published as pathogenic or benign to our knowledge

NM_015559.3(SETBP1):c.2066C>A (p.Ala689Asp)

Gene: SETBP1 (SET binding protein 1; plus strand). Cytogenetic location: 18q12.3.
Variant type: single nucleotide variant.
Coding change: c.2066C>A on transcript NM_015559.3 (MANE Select); coding-DNA position 2066, C replaced by A.
Protein change: p.Ala689Asp; replaces alanine 689 with aspartic acid.
Molecular consequence: missense variant.
Genome position (GRCh38, 1-based): chr18:44,951,406, C>A. VCF-style: chr18-44951406-C-A. GRCh37 (hg19) VCF-style: chr18-42531371-C-A.
Other names: c.2066C>A, p.Ala689Asp (NM_001379141.1, NM_001379142.1, NM_001410862.1); short protein forms A689D.
Identifiers: ClinVar variation 2413056 (VCV002413056.3), dbSNP rs2511470380, ClinGen allele CA402320316.
Genomic context (GRCh38, chr18:44,951,406, plus strand): 5'-TGAAGACACTCAAGAGGAAAAACATCTTGAATCAGATCTTGTCCTGTTCCAGCAGCGTTG[C>A]TCTGAAGGCAAAAGCTCCCCCAGAGACCAGCCCTGGGGCAGCAGCCATTGAAAGCAAACT-3'
Protein context (NP_056374.2, residues 679-699): NQILSCSSSV[Ala689Asp]LKAKAPPETS